The following is an entry in ClinVar:

ClinVar aggregate classification (germline): Likely benign. Review status: criteria provided, multiple submitters, no conflicts (2 of 4 stars). 3 submissions from 3 submitters: Likely benign (3). Last evaluated 2025-10-14.

Conditions:
Gorlin syndrome. Also called: Nevoid Basal Cell Carcinoma Syndrome; Basal cell nevus syndrome. Identifiers: Orphanet 377, MedGen C0004779, MONDO:0007187.
Hereditary cancer-predisposing syndrome. Also called: Hereditary neoplastic syndrome; Hereditary Cancer Syndrome; Neoplastic Syndromes, Hereditary; Tumor predisposition. Identifiers: Orphanet 140162, MedGen C0027672, MeSH D009386, MONDO:0015356.
PTCH1-related disorder. Also called: PTCH1-related disorders; PTCH1-related condition.

Allele frequency attached by ClinVar (database versions not stated): gnomAD 0.00001 and 0.00002; gnomAD exomes 0.00002; TOPMed 0.00002; ExAC 0.00003.

Submissions (3):

Labcorp Genetics (formerly Invitae), Labcorp
Classification: Likely benign for Gorlin syndrome. Last evaluated: 2025-10-14. Review status: criteria provided, single submitter. Criteria: Invitae Variant Classification Sherloc (09022015). Collection method: clinical testing. Allele origin: germline.

PreventionGenetics, part of Exact Sciences
Classification: Likely benign for PTCH1-related condition. Last evaluated: 2025-06-20. Review status: criteria provided, single submitter. Criteria: ACMG Guidelines, 2015. Collection method: clinical testing. Allele origin: germline.
Comment: This variant is classified as likely benign based on ACMG/AMP sequence variant interpretation guidelines (Richards et al. 2015 PMID: 25741868, with internal and published modifications).

Ambry Genetics
Classification: Likely benign for Hereditary cancer-predisposing syndrome. Last evaluated: 2019-05-16. Review status: criteria provided, single submitter. Criteria: Ambry Variant Classification Scheme 2023. Collection method: clinical testing. Allele origin: germline.

NM_000264.5(PTCH1):c.3741G>A (p.Ala1247=)

Gene: PTCH1 (patched 1; minus strand). Cytogenetic location: 9q22.32.
Variant type: single nucleotide variant.
Coding change: c.3741G>A on transcript NM_000264.5 (MANE Select); coding-DNA position 3741, G replaced by A.
Protein change: p.Ala1247=; no amino-acid change (alanine 1247 retained).
Molecular consequence: synonymous variant. On other transcripts: non-coding transcript variant (1).
Genome position (GRCh38, 1-based): chr9:95,449,132, C>T on the plus strand (G>A on the coding strand, the complement: PTCH1 is on the minus strand). VCF-style: chr9-95449132-C-T. GRCh37 (hg19) VCF-style: chr9-98211414-C-T.
Other names: c.3543G>A, p.Ala1181= (NM_001083602.3); c.3738G>A, p.Ala1246= (NM_001083603.3); c.3288G>A, p.Ala1096= (NM_001083604.3, NM_001083605.3, NM_001083606.3 and 1 more transcripts); c.3585G>A, p.Ala1195= (NM_001354918.2).
Identifiers: ClinVar variation 524624 (VCV000524624.17), dbSNP rs772544302, ClinGen allele CA5138073.